The following is an entry in ClinVar:

NM_000038.6(APC):c.50A>G (p.Lys17Arg)

Gene: APC (APC regulator of Wnt signaling pathway; plus strand). Cytogenetic location: 5q22.2.
Variant type: single nucleotide variant.
Coding change: c.50A>G on transcript NM_000038.6 (MANE Select); coding-DNA position 50, A replaced by G.
Protein change: p.Lys17Arg; replaces lysine 17 with arginine.
Molecular consequence: missense variant. On other transcripts: 5 prime UTR variant (1), intron variant (8).
Genome position (GRCh38, 1-based): chr5:112,754,940, A>G. VCF-style: chr5-112754940-A-G. GRCh37 (hg19) VCF-style: chr5-112090637-A-G.
Other names: c.50A>G, p.Lys17Arg (NM_001127510.3, NM_001354895.2, NM_001354896.2 and 16 more transcripts); c.-986A>G (NM_001354906.2, NM_001407470.1, NM_001407471.1 and 1 more transcripts); c.166-11386A>G (NM_001354897.2, NM_001354902.2, NM_001127511.3); c.61-11386A>G (NM_001354898.2, NM_001354904.2); c.-42-11386A>G (NM_001354900.2, NM_001354901.2, NM_001354905.2); short protein forms K17R.
Identifiers: ClinVar variation 1919945 (VCV001919945.5), dbSNP rs2149737817, ClinGen allele CA16021448.

ClinVar aggregate classification (germline): Uncertain significance (1 of 4 stars; one submission).

Conditions:
Familial adenomatous polyposis 1 (FAP1). Also called: POLYPOSIS, ADENOMATOUS INTESTINAL; FAMILIAL ADENOMATOUS POLYPOSIS 1, ATTENUATED. Identifiers: MedGen C2713442, MONDO:0021056, OMIM 175100. Disease mechanism: loss of function.

Submission:

Labcorp Genetics (formerly Invitae), Labcorp
Classification: Uncertain significance for Familial adenomatous polyposis 1. Last evaluated: 2022-10-20. Review status: criteria provided, single submitter. Criteria: Invitae Variant Classification Sherloc (09022015). Collection method: clinical testing. Allele origin: germline.
Comment: This sequence change replaces lysine, which is basic and polar, with arginine, which is basic and polar, at codon 17 of the APC protein (p.Lys17Arg). This variant is not present in population databases (gnomAD no frequency). This variant has not been reported in the literature in individuals affected with APC-related conditions. Advanced modeling of protein sequence and biophysical properties (such as structural, functional, and spatial information, amino acid conservation, physicochemical variation, residue mobility, and thermodynamic stability) performed at Invitae indicates that this missense variant is not expected to disrupt APC protein function. In summary, the available evidence is currently insufficient to determine the role of this variant in disease. Therefore, it has been classified as a Variant of Uncertain Significance.